The following is an entry in ClinVar:

ClinVar aggregate classification (germline): Uncertain significance. Review status: criteria provided, multiple submitters, no conflicts (2 of 4 stars). 2 submissions from 2 submitters: Uncertain significance (2). Last evaluated 2024-08-27.

Conditions:
Inborn genetic diseases. Identifiers: MedGen C0950123, MeSH D030342.

Allele frequency attached by ClinVar (database versions not stated): gnomAD exomes below 0.00001; TOPMed below 0.00001.
gnomAD v4.1: 2 of 1,612,126 alleles (0.00012%); highest among the groups gnomAD compares: African/African-American, 0.0013%; no homozygotes.

Submissions (2):

Ambry Genetics
Classification: Uncertain significance for Inborn genetic diseases. Last evaluated: 2024-08-27. Review status: criteria provided, single submitter. Criteria: Ambry Variant Classification Scheme 2023. Collection method: clinical testing. Allele origin: germline.

Labcorp Genetics (formerly Invitae), Labcorp
Classification: Uncertain significance. Last evaluated: 2021-12-19. Review status: criteria provided, single submitter. Criteria: Invitae Variant Classification Sherloc (09022015). Collection method: clinical testing. Allele origin: germline.
Comment: This sequence change replaces leucine, which is neutral and non-polar, with phenylalanine, which is neutral and non-polar, at codon 691 of the HPS1 protein (p.Leu691Phe). This variant is not present in population databases (gnomAD no frequency). This variant has not been reported in the literature in individuals affected with HPS1-related conditions. Algorithms developed to predict the effect of missense changes on protein structure and function are either unavailable or do not agree on the potential impact of this missense change (SIFT: "Deleterious"; PolyPhen-2: "Probably Damaging"; Align-GVGD: "Class C0"). In summary, the available evidence is currently insufficient to determine the role of this variant in disease. Therefore, it has been classified as a Variant of Uncertain Significance.

NM_000195.5(HPS1):c.2071C>T (p.Leu691Phe)

Gene: HPS1 (HPS1 biogenesis of lysosomal organelles complex 3 subunit 1; minus strand). Cytogenetic location: 10q24.2.
Variant type: single nucleotide variant.
Coding change: c.2071C>T on transcript NM_000195.5 (MANE Select); coding-DNA position 2071, C replaced by T.
Protein change: p.Leu691Phe; replaces leucine 691 with phenylalanine.
Molecular consequence: missense variant.
Genome position (GRCh38, 1-based): chr10:98,417,596, G>A on the plus strand (C>T on the coding strand, the complement: HPS1 is on the minus strand). VCF-style: chr10-98417596-G-A. GRCh37 (hg19) VCF-style: chr10-100177353-G-A.
Other names: c.1810C>T, p.Leu604Phe (NM_001322481.2, NM_001322480.2); c.1711C>T, p.Leu571Phe (NM_001322482.2); c.1702C>T, p.Leu568Phe (NM_001322483.2, NM_001322484.2); c.1603C>T, p.Leu535Phe (NM_001322485.2); c.1099C>T, p.Leu367Phe (NM_001322487.2, NM_001322489.2, NM_001311345.2); c.2071C>T (NM_000195.3); c.2071C>T, p.Leu691Phe (NM_001322476.2, NM_001322477.2); c.1972C>T, p.Leu658Phe (NM_001322478.2, NM_001322479.2); short protein forms L604F, L367F, L568F, L658F, L571F, L535F, L691F.
Identifiers: ClinVar variation 1986094 (VCV001986094.2), dbSNP rs1844259318, ClinGen allele CA378042009.